The following is an entry in ClinVar:

ClinVar aggregate classification (germline): Pathogenic/Likely pathogenic. Review status: criteria provided, multiple submitters, no conflicts (2 of 4 stars). 3 submissions from 3 submitters: Pathogenic (1); Likely pathogenic (2). Last evaluated 2024-01-31.

Conditions:
Fanconi anemia complementation group C (FANCC). Also called: FANCC-Related Fanconi Anemia; Fanconi anemia, group C; FANCONI PANCYTOPENIA, TYPE 3; FACC. Identifiers: Orphanet 84, MedGen C3468041, MONDO:0009213, OMIM 227645.
Fanconi anemia (FA). Also called: Fanconi's anemia. Identifiers: Orphanet 84, MedGen C0015625, MeSH D005199, MONDO:0019391.

Submissions (3):

Labcorp Genetics (formerly Invitae), Labcorp
Classification: Pathogenic for Fanconi anemia. Last evaluated: 2024-01-31. Review status: criteria provided, single submitter. Criteria: Invitae Variant Classification Sherloc (09022015). Collection method: clinical testing. Allele origin: germline.
Comment: This sequence change creates a premature translational stop signal (p.Ala74Leufs*8) in the FANCC gene. It is expected to result in an absent or disrupted protein product. Loss-of-function variants in FANCC are known to be pathogenic (PMID: 17924555). This variant is not present in population databases (gnomAD no frequency). This variant has not been reported in the literature in individuals affected with FANCC-related conditions. ClinVar contains an entry for this variant (Variation ID: 813414). For these reasons, this variant has been classified as Pathogenic.

Baylor Genetics
Classification: Likely pathogenic for Fanconi anemia complementation group C. Review status: criteria provided, single submitter. Criteria: ACMG Guidelines, 2015. Collection method: clinical testing. Allele origin: germline.

Juno Genomics, Hangzhou Juno Genomics, Inc
Classification: Likely pathogenic for Fanconi anemia complementation group C. Review status: criteria provided, single submitter. Criteria: ACMG Guidelines, 2015. Collection method: clinical testing. Allele origin: germline.
Comment: Null variant in a gene where loss of function (LOF) is a known mechanism of disease.;Absent from controls (or at extremely low frequency if recessive) in Genome Aggregation Database.

Literature cited by the submitters: PubMed 17924555 (cited by Labcorp Genetics (formerly Invitae), Labcorp).

NM_000136.3(FANCC):c.220del (p.Ala74fs)

Gene: FANCC (FA complementation group C; minus strand). Cytogenetic location: 9q22.32.
Variant type: Deletion.
Coding change: c.220del on transcript NM_000136.3 (MANE Select); coding-DNA position 220, one base deleted (G; older notation c.220delG).
Protein change: p.Ala74fs; shifts the reading frame from alanine 74.
Molecular consequence: frameshift variant.
Genome position (GRCh38, 1-based): chr9:95,247,462, C deleted on the plus strand (G on the coding strand, the reverse complement: FANCC is on the minus strand). VCF-style (leftmost placement, unchanged base first): chr9-95247461-GC-G. GRCh37 (hg19) VCF-style: chr9-98009743-GC-G.
Other names: c.220del, p.Ala74fs (NM_001243743.2, NM_001243744.2); short protein forms A74fs.
Identifiers: ClinVar variation 813414 (VCV000813414.6), dbSNP rs1588350264, ClinGen allele CA915947025.